The following is an entry in ClinVar:

NM_001372044.2(SHANK3):c.3849C>A (p.Gly1283=)

Gene: SHANK3 (SH3 and multiple ankyrin repeat domains 3; plus strand). Cytogenetic location: 22q13.33.
Variant type: single nucleotide variant.
Coding change: c.3849C>A on transcript NM_001372044.2 (MANE Select); coding-DNA position 3849, C replaced by A.
Protein change: p.Gly1283=; no amino-acid change (glycine 1283 retained).
Molecular consequence: synonymous variant.
Genome position (GRCh38, 1-based): chr22:50,721,457, C>A. VCF-style: chr22-50721457-C-A. GRCh37 (hg19) VCF-style: chr22-51159885-C-A.
Identifiers: ClinVar variation 4872663 (VCV004872663.3).

ClinVar aggregate classification (germline): Likely benign. Review status: criteria provided, multiple submitters, no conflicts (2 of 4 stars). 2 submissions from 2 submitters: Likely benign (2). Last evaluated 2026-04-01.

Submissions (2):

CeGaT Center for Human Genetics Tuebingen
Classification: Likely benign. Last evaluated: 2026-04-01. Review status: criteria provided, single submitter. Criteria: CeGaT Center For Human Genetics Tuebingen Variant Classification Criteria Version 2. Collection method: clinical testing. Allele origin: germline. Affected: yes. Observed: 1 variant allele.
Comment: SHANK3: BP4, BP7

Blueprint Genetics
Classification: Likely benign. Last evaluated: 2024-11-23. Review status: criteria provided, single submitter. Criteria: ACMG Guidelines, 2015. Collection method: clinical testing. Allele origin: germline.